The following is an entry in ClinVar:

NM_024408.4(NOTCH2):c.3507T>C (p.Gly1169=)

Gene: NOTCH2 (notch receptor 2; minus strand). Cytogenetic location: 1p12.
Variant type: single nucleotide variant.
Coding change: c.3507T>C on transcript NM_024408.4 (MANE Select); coding-DNA position 3507, T replaced by C.
Protein change: p.Gly1169=; no amino-acid change (glycine 1169 retained).
Molecular consequence: synonymous variant.
Genome position (GRCh38, 1-based): chr1:119,937,297, A>G on the plus strand (T>C on the coding strand, the complement: NOTCH2 is on the minus strand). VCF-style: chr1-119937297-A-G. GRCh37 (hg19) VCF-style: chr1-120479920-A-G.
Other names: c.3507T>C (NM_024408.3); c.3507T>C, p.Gly1169= (NM_001200001.2).
Identifiers: ClinVar variation 2092936 (VCV002092936.7), dbSNP rs587758205, ClinGen allele CA1040050.

ClinVar aggregate classification (germline): Benign/Likely benign. Review status: criteria provided, multiple submitters, no conflicts (2 of 4 stars). 3 submissions from 3 submitters: Benign (1); Likely benign (1). 1 of the submissions does not count toward it. Last evaluated 2025-02-11.

Conditions:
Hajdu-Cheney syndrome (HJCYS). Also called: Acroosteolysis dominant type; ACROOSTEOLYSIS WITH OSTEOPOROSIS AND CHANGES IN SKULL AND MANDIBLE; SERPENTINE FIBULA-POLYCYSTIC KIDNEY SYNDROME. Identifiers: Orphanet 955, MedGen C0917715, MONDO:0007057, OMIM 102500.
NOTCH2-related disorder. Also called: NOTCH2-related condition.

Allele frequency attached by ClinVar (database versions not stated): TOPMed 0.00002; gnomAD 0.00005; gnomAD exomes 0.00005; ExAC 0.00012; 1000 Genomes Project 30x 0.00016; 1000 Genomes Project 0.00020.

Submissions (3):

Labcorp Genetics (formerly Invitae), Labcorp
Classification: Benign for Hajdu-Cheney syndrome. Last evaluated: 2025-02-11. Review status: criteria provided, single submitter. Criteria: Invitae Variant Classification Sherloc (09022015). Collection method: clinical testing. Allele origin: germline.

Blueprint Genetics
Classification: Likely benign. Last evaluated: 2024-06-28. Review status: criteria provided, single submitter. Criteria: ACMG Guidelines, 2015. Collection method: clinical testing. Allele origin: germline.

PreventionGenetics, part of Exact Sciences
Classification: Likely benign for NOTCH2-related condition. Last evaluated: 2021-08-30. Review status: no assertion criteria provided. Collection method: clinical testing. Allele origin: germline. Not counted in ClinVar's aggregate classification.
Comment: This variant is classified as likely benign based on ACMG/AMP sequence variant interpretation guidelines (Richards et al. 2015 PMID: 25741868, with internal and published modifications).